The following is an entry in ClinVar:

ClinVar aggregate classification (germline): Uncertain significance (1 of 4 stars; one submission).

Conditions:
Nemaline myopathy 2 (NEM2). Also called: Nemaline myopathy 2, autosomal recessive. Identifiers: MedGen C1850569, MONDO:0009725, OMIM 256030.

Allele frequency attached by ClinVar (database versions not stated): gnomAD 0.00001; TOPMed 0.00001.
gnomAD v4.1: 2 of 1,610,414 alleles (0.00012%); highest among the groups gnomAD compares: Non-Finnish European, 0.00017%; no homozygotes.

Submission:

Labcorp Genetics (formerly Invitae), Labcorp
Classification: Uncertain significance for Nemaline myopathy 2. Last evaluated: 2021-11-06. Review status: criteria provided, single submitter. Criteria: Invitae Variant Classification Sherloc (09022015). Collection method: clinical testing. Allele origin: germline.
Comment: This sequence change replaces isoleucine, which is neutral and non-polar, with valine, which is neutral and non-polar, at codon 3022 of the NEB protein (p.Ile3022Val). This variant is not present in population databases (gnomAD no frequency). This variant has not been reported in the literature in individuals affected with NEB-related conditions. Algorithms developed to predict the effect of missense changes on protein structure and function are either unavailable or do not agree on the potential impact of this missense change (SIFT: "Deleterious"; PolyPhen-2: "Not Available"; Align-GVGD: "Class C0"). In summary, the available evidence is currently insufficient to determine the role of this variant in disease. Therefore, it has been classified as a Variant of Uncertain Significance.

NM_001164508.2(NEB):c.9064A>G (p.Ile3022Val)

Gene: NEB (nebulin; minus strand). Cytogenetic location: 2q23.3.
Variant type: single nucleotide variant.
Coding change: c.9064A>G on transcript NM_001164508.2 (MANE Select); coding-DNA position 9064, A replaced by G.
Protein change: p.Ile3022Val; replaces isoleucine 3022 with valine.
Molecular consequence: missense variant. On other transcripts: intron variant (1).
Genome position (GRCh38, 1-based): chr2:151,636,265, T>C on the plus strand (A>G on the coding strand, the complement: NEB is on the minus strand). VCF-style: chr2-151636265-T-C. GRCh37 (hg19) VCF-style: chr2-152492779-T-C.
Other names: c.9064A>G, p.Ile3022Val (NM_001164507.2, NM_001271208.2); c.8853+3628A>G (NM_004543.5); short protein forms I3022V.
Identifiers: ClinVar variation 1481457 (VCV001481457.3), dbSNP rs2098761523, ClinGen allele CA348805384.